The following is an entry in ClinVar:

ClinVar aggregate classification (germline): Uncertain significance. Review status: criteria provided, multiple submitters, no conflicts (2 of 4 stars). 2 submissions from 2 submitters: Uncertain significance (2). Last evaluated 2025-12-17.

Conditions:
CHARGE syndrome (CHARGE). Also called: Hittner Hirsch Kreh syndrome; CHARGE ASSOCIATION--COLOBOMA, HEART ANOMALY, CHOANAL ATRESIA, RETARDATION, GENITAL AND EAR ANOMALIES; Coloboma, heart anomaly, choanal atresia, retardation, genital and ear anomalies; CHARGE association; Hall-Hittner syndrome. Identifiers: Orphanet 138, MedGen C0265354, MONDO:0008965.
SEMA3E-related disorder. Also called: SEMA3E-related condition.

Allele frequency attached by ClinVar (database versions not stated): gnomAD 0.00001; TOPMed 0.00001; ExAC 0.00002; gnomAD exomes 0.00002.
gnomAD v4.1: 9 of 1,613,718 alleles (0.00056%); highest among the groups gnomAD compares: Admixed American, 0.013%; no homozygotes.

Submissions (2):

PreventionGenetics, part of Exact Sciences
Classification: Uncertain significance for SEMA3E-related condition. Last evaluated: 2025-12-17. Review status: criteria provided, single submitter. Criteria: ACMG Guidelines, 2015. Collection method: clinical testing. Allele origin: germline.
Comment: The SEMA3E c.616A>G variant is predicted to result in the amino acid substitution p.Met206Val. To our knowledge, this variant has not been reported in the literature. This variant is reported in 0.011% of alleles in individuals of Latino descent in gnomAD. At this time, the clinical significance of this variant is uncertain due to the absence of conclusive functional and genetic evidence.

Labcorp Genetics (formerly Invitae), Labcorp
Classification: Uncertain significance for CHARGE syndrome. Last evaluated: 2025-05-12. Review status: criteria provided, single submitter. Criteria: Invitae Variant Classification Sherloc (09022015). Collection method: clinical testing. Allele origin: germline.
Comment: This sequence change replaces methionine, which is neutral and non-polar, with valine, which is neutral and non-polar, at codon 206 of the SEMA3E protein (p.Met206Val). This variant is present in population databases (rs745626807, gnomAD 0.01%). This variant has not been reported in the literature in individuals affected with SEMA3E-related conditions. ClinVar contains an entry for this variant (Variation ID: 1388401). Invitae Evidence Modeling of protein sequence and biophysical properties (such as structural, functional, and spatial information, amino acid conservation, physicochemical variation, residue mobility, and thermodynamic stability) indicates that this missense variant is not expected to disrupt SEMA3E protein function with a negative predictive value of 80%. In summary, the available evidence is currently insufficient to determine the role of this variant in disease. Therefore, it has been classified as a Variant of Uncertain Significance.

NM_012431.3(SEMA3E):c.616A>G (p.Met206Val)

Gene: SEMA3E (semaphorin 3E; minus strand). Cytogenetic location: 7q21.11.
Variant type: single nucleotide variant.
Coding change: c.616A>G on transcript NM_012431.3 (MANE Select); coding-DNA position 616, A replaced by G.
Protein change: p.Met206Val; replaces methionine 206 with valine.
Molecular consequence: missense variant.
Genome position (GRCh38, 1-based): chr7:83,408,422, T>C on the plus strand (A>G on the coding strand, the complement: SEMA3E is on the minus strand). VCF-style: chr7-83408422-T-C. GRCh37 (hg19) VCF-style: chr7-83037738-T-C.
Other names: c.616A>G (NM_012431.2); c.436A>G, p.Met146Val (NM_001178129.2); short protein forms M146V, M206V.
Identifiers: ClinVar variation 1388401 (VCV001388401.9), dbSNP rs745626807, ClinGen allele CA4322271.